The following is an entry in ClinVar:

NM_007055.4(POLR3A):c.1734A>T (p.Lys578Asn)

Gene: POLR3A (RNA polymerase III subunit A; minus strand). Cytogenetic location: 10q22.3.
Variant type: single nucleotide variant.
Coding change: c.1734A>T on transcript NM_007055.4 (MANE Select); coding-DNA position 1734, A replaced by T.
Protein change: p.Lys578Asn; replaces lysine 578 with asparagine.
Molecular consequence: missense variant.
Genome position (GRCh38, 1-based): chr10:78,009,900, T>A on the plus strand (A>T on the coding strand, the complement: POLR3A is on the minus strand). VCF-style: chr10-78009900-T-A. GRCh37 (hg19) VCF-style: chr10-79769658-T-A.
Other names: short protein forms K578N.
Identifiers: ClinVar variation 1326966 (VCV001326966.13), dbSNP rs376753355, ClinGen allele CA5571352.

ClinVar aggregate classification (germline): Uncertain significance. Review status: criteria provided, multiple submitters, no conflicts (2 of 4 stars). 4 submissions from 4 submitters: Uncertain significance (4). Last evaluated 2025-10-01.

Conditions:
Leukodystrophy, hypomyelinating, 7, with or without oligodontia and/or hypogonadotropic hypogonadism (HLD7). Also called: Ataxia, Delayed Dentition and Hypomyelination (ADDH); LEUKODYSTROPHY, HYPOMYELINATING, 7, WITH OLIGODONTIA; LEUKODYSTROPHY, HYPOMYELINATING, 7, WITH OLIGODONTIA AND HYPOGONADOTROPIC HYPOGONADISM; LEUKODYSTROPHY, HYPOMYELINATING, 7, WITHOUT OLIGODONTIA OR HYPOGONADOTROPIC HYPOGONADISM; LEUKOENCEPHALOPATHY, HYPOMYELINATING, WITH ATAXIA AND DELAYED DENTITION; ATAXIA, DELAYED DENTITION, AND HYPOMYELINATION. Identifiers: Orphanet 137639, Orphanet 447893, Orphanet 447896, Orphanet 77295, Orphanet 88637, MedGen CN034185, MONDO:0011897, OMIM 607694.

Allele frequency attached by ClinVar (database versions not stated): TOPMed 0.00004; gnomAD exomes 0.00005 and 0.00006; gnomAD 0.00006 and 0.00009; ExAC 0.00007; ESP Exome Variant Server 0.00008.
gnomAD v4.1: 85 of 1,613,966 alleles (0.0053%); highest among the groups gnomAD compares: South Asian, 0.051%; no homozygotes.

Submissions (4):

CeGaT Center for Human Genetics Tuebingen
Classification: Uncertain significance. Last evaluated: 2025-10-01. Review status: criteria provided, single submitter. Criteria: CeGaT Center For Human Genetics Tuebingen Variant Classification Criteria Version 2. Collection method: clinical testing. Allele origin: germline. Affected: yes. Observed: 1 variant allele.
Comment: POLR3A: PM2

Blueprint Genetics
Classification: Uncertain significance. Last evaluated: 2024-08-14. Review status: criteria provided, single submitter. Criteria: ACMG Guidelines, 2015. Collection method: clinical testing. Allele origin: germline.

Labcorp Genetics (formerly Invitae), Labcorp
Classification: Uncertain significance. Last evaluated: 2022-10-05. Review status: criteria provided, single submitter. Criteria: Invitae Variant Classification Sherloc (09022015). Collection method: clinical testing. Allele origin: germline.
Comment: This sequence change replaces lysine, which is basic and polar, with asparagine, which is neutral and polar, at codon 578 of the POLR3A protein (p.Lys578Asn). This variant is present in population databases (rs376753355, gnomAD 0.03%). This variant has not been reported in the literature in individuals affected with POLR3A-related conditions. ClinVar contains an entry for this variant (Variation ID: 1326966). Advanced modeling of protein sequence and biophysical properties (such as structural, functional, and spatial information, amino acid conservation, physicochemical variation, residue mobility, and thermodynamic stability) performed at Invitae indicates that this missense variant is not expected to disrupt POLR3A protein function. In summary, the available evidence is currently insufficient to determine the role of this variant in disease. Therefore, it has been classified as a Variant of Uncertain Significance.

Molecular Genetics, Royal Melbourne Hospital
Classification: Uncertain significance for Leukodystrophy, hypomyelinating, 7, with or without oligodontia and/or hypogonadotropic hypogonadism. Last evaluated: 2021-11-11. Review status: criteria provided, single submitter. Criteria: ACMG Guidelines, 2015. Collection method: clinical testing. Allele origin: germline.
Comment: This sequence change in POLR3A is predicted to replace lysine with asparagine at codon 578, p.(Lys578Asn). The lysine residue is highly conserved (100 vertebrates, UCSC), and is not located in an annotated functional domain. There is a moderate physicochemical difference between lysine and asparagine. The highest population minor allele frequency in gnomAD v2.1 is 0.03% (8/30,616 alleles) in the South Asian population, which is consistent with a recessive condition. To our knowledge, this variant has not been reported in the literature in any individuals with POLR3A-related disease. Multiple lines of computational evidence have conflicting predictions for the missense substitution (5/6 algorithms predict benign). Based on the classification scheme RMH Modified ACMG Guidelines v1.4.0, this variant is classified as a VARIANT OF UNCERTAIN SIGNIFICANCE. Following criteria are met: PM2_Supporting.